The following is an entry in ClinVar:

NM_013382.7(POMT2):c.579C>T (p.Ile193=)

Gene: POMT2 (protein O-mannosyltransferase 2; minus strand). Cytogenetic location: 14q24.3.
Variant type: single nucleotide variant.
Coding change: c.579C>T on transcript NM_013382.7 (MANE Select); coding-DNA position 579, C replaced by T.
Protein change: p.Ile193=; no amino-acid change (isoleucine 193 retained).
Molecular consequence: synonymous variant.
Genome position (GRCh38, 1-based): chr14:77,302,912, G>A on the plus strand (C>T on the coding strand, the complement: POMT2 is on the minus strand). VCF-style: chr14-77302912-G-A. GRCh37 (hg19) VCF-style: chr14-77769255-G-A.
Identifiers: ClinVar variation 3257442 (VCV003257442.17).

ClinVar aggregate classification (germline): Likely benign (1 of 4 stars; one submission).

Submission:

CeGaT Center for Human Genetics Tuebingen
Classification: Likely benign. Last evaluated: 2024-07-01. Review status: criteria provided, single submitter. Criteria: CeGaT Center For Human Genetics Tuebingen Variant Classification Criteria Version 2. Collection method: clinical testing. Allele origin: germline. Affected: yes. Observed: 1 variant allele.
Comment: POMT2: PM2:Supporting, BP4, BP7